The following is an entry in ClinVar:

NM_000593.6(TAP1):c.1616C>A (p.Pro539His)

Gene: TAP1 (transporter 1, ATP binding cassette subfamily B member; minus strand). Cytogenetic location: 6p21.32.
Variant type: single nucleotide variant.
Coding change: c.1616C>A on transcript NM_000593.6 (MANE Select); coding-DNA position 1616, C replaced by A.
Protein change: p.Pro539His; replaces proline 539 with histidine.
Molecular consequence: missense variant.
Genome position (GRCh38, 1-based): chr6:32,848,043, G>T on the plus strand (C>A on the coding strand, the complement: TAP1 is on the minus strand). VCF-style: chr6-32848043-G-T. GRCh37 (hg19) VCF-style: chr6-32815820-G-T.
Other names: c.1013C>A, p.Pro338His (NM_001292022.2); short protein forms P338H, P539H.
Identifiers: ClinVar variation 1351512 (VCV001351512.8), dbSNP rs1770549743, ClinGen allele CA363591597.

ClinVar aggregate classification (germline): Uncertain significance (1 of 4 stars; one submission).

Conditions:
MHC class I deficiency. Identifiers: Orphanet 34592, MedGen C6024714, MONDO:0011476.

Submission:

Labcorp Genetics (formerly Invitae), Labcorp
Classification: Uncertain significance for MHC class I deficiency 1. Last evaluated: 2021-03-20. Review status: criteria provided, single submitter. Criteria: Invitae Variant Classification Sherloc (09022015). Collection method: clinical testing. Allele origin: germline.
Comment: In summary, the available evidence is currently insufficient to determine the role of this variant in disease. Therefore, it has been classified as a Variant of Uncertain Significance. Algorithms developed to predict the effect of missense changes on protein structure and function are either unavailable or do not agree on the potential impact of this missense change (SIFT: "Tolerated"; PolyPhen-2: "Probably Damaging"; Align-GVGD: "Class C0"). This variant has not been reported in the literature in individuals with TAP1-related conditions. This variant is not present in population databases (ExAC no frequency). This sequence change replaces proline with histidine at codon 599 of the TAP1 protein (p.Pro599His). The proline residue is moderately conserved and there is a moderate physicochemical difference between proline and histidine.